The following is an entry in ClinVar:

NM_000492.4(CFTR):c.1769G>A (p.Cys590Tyr)

Gene: CFTR (CF transmembrane conductance regulator; plus strand). Cytogenetic location: 7q31.2.
Variant type: single nucleotide variant.
Coding change: c.1769G>A on transcript NM_000492.4 (MANE Select); coding-DNA position 1769, G replaced by A.
Protein change: p.Cys590Tyr; replaces cysteine 590 with tyrosine.
Molecular consequence: missense variant.
Genome position (GRCh38, 1-based): chr7:117,591,936, G>A. VCF-style: chr7-117591936-G-A. GRCh37 (hg19) VCF-style: chr7-117231990-G-A.
Other names: short protein forms C590Y.
Identifiers: ClinVar variation 950525 (VCV000950525.8), dbSNP rs1347776232, ClinGen allele CA368977729.

ClinVar aggregate classification (germline): Uncertain significance. Review status: criteria provided, single submitter (1 of 4 stars). 2 submissions from 2 submitters: Uncertain significance (1). 1 of the submissions does not count toward it. Last evaluated 2021-08-27.

Conditions:
Cystic fibrosis (CF). Also called: MUCOVISCIDOSIS. Identifiers: Orphanet 586, MedGen C0010674, MONDO:0009061, OMIM 219700. Disease mechanism: loss of function.
CFTR-related disorder (CFTR-RD). Also called: CFTR-related disorders; CFTR-related condition. Identifiers: MedGen C5924204, MONDO:7770004.

Submissions (2):

Labcorp Genetics (formerly Invitae), Labcorp
Classification: Uncertain significance for Cystic fibrosis. Last evaluated: 2021-08-27. Review status: criteria provided, single submitter. Criteria: Invitae Variant Classification Sherloc (09022015). Collection method: clinical testing. Allele origin: germline.
Comment: This sequence change replaces cysteine with tyrosine at codon 590 of the CFTR protein (p.Cys590Tyr). The cysteine residue is highly conserved and there is a large physicochemical difference between cysteine and tyrosine. This variant is not present in population databases (ExAC no frequency). This missense change has been observed in individual(s) with cystic fibrosis (Invitae). Algorithms developed to predict the effect of missense changes on protein structure and function are either unavailable or do not agree on the potential impact of this missense change (SIFT: "Deleterious"; PolyPhen-2: "Probably Damaging"; Align-GVGD: "Class C0"). In summary, the available evidence is currently insufficient to determine the role of this variant in disease. Therefore, it has been classified as a Variant of Uncertain Significance.

Natera, Inc.
Classification: Uncertain significance for CFTR-related disorders. Last evaluated: 2020-06-30. Review status: no assertion criteria provided. Collection method: clinical testing. Allele origin: germline. Not counted in ClinVar's aggregate classification.